The following is an entry in ClinVar:

ClinVar aggregate classification (germline): Uncertain significance (1 of 4 stars; one submission).

Submission:

Labcorp Genetics (formerly Invitae), Labcorp
Classification: Uncertain significance. Last evaluated: 2023-12-07. Review status: criteria provided, single submitter. Criteria: Invitae Variant Classification Sherloc (09022015). Collection method: clinical testing. Allele origin: germline.
Comment: This sequence change results in a frameshift in the IRF9 gene (p.Pro307Serfs*109). While this is not anticipated to result in nonsense mediated decay, it is expected to disrupt the last 87 amino acid(s) of the IRF9 protein and extend the protein by 21 additional amino acid residues. This variant is not present in population databases (gnomAD no frequency). This variant has not been reported in the literature in individuals affected with IRF9-related conditions. Experimental studies and prediction algorithms are not available or were not evaluated, and the functional significance of this variant is currently unknown. In summary, the available evidence is currently insufficient to determine the role of this variant in disease. Therefore, it has been classified as a Variant of Uncertain Significance.

NM_006084.5(IRF9):c.915_918dup (p.Pro307fs)

Gene: IRF9 (interferon regulatory factor 9; plus strand). Cytogenetic location: 14q12.
Variant type: Duplication.
Coding change: c.915_918dup on transcript NM_006084.5 (MANE Select); coding-DNA positions 915 to 918, 4 bases duplicated (TCCA; older notation c.915_918dupTCCA).
Protein change: p.Pro307fs; shifts the reading frame from proline 307.
Molecular consequence: frameshift variant.
Genome position (GRCh38, 1-based): chr14:24,164,879-24,164,882, TCCA duplicated. VCF-style (leftmost placement, unchanged base first): chr14-24164878-C-CTCCA. GRCh37 (hg19) VCF-style: chr14-24634087-C-CTCCA.
Other names: c.942_945dup, p.Pro316fs (NM_001385400.1, NM_001385401.1); c.652_655dup, p.Thr219fs (NM_001385402.1); short protein forms T219fs, P307fs, P316fs.
Identifiers: ClinVar variation 2759120 (VCV002759120.3), dbSNP rs2502044754, ClinGen allele CA2697553832.